The following is an entry in ClinVar:

ClinVar aggregate classification (germline): Uncertain significance (1 of 4 stars; one submission).

Conditions:
Hawkinsinuria. Identifiers: Orphanet 2118, MedGen C2931042, MONDO:0007700, OMIM 140350, HP:0034457.
Tyrosinemia type III. Also called: Tyrosinemia type 3; 4-alpha hydroxyphenylpyruvic acid oxidase deficiency; 4-alpha hydroxyphenylpyruvate dioxygenase deficiency; 4-Hydroxyphenylpyruvate dioxygenase deficiency; 4-HYDROXYPHENYLPYRUVIC ACID OXIDASE DEFICIENCY. Identifiers: Orphanet 69723, MedGen C0268623, MONDO:0010162, OMIM 276710.

Submission:

Labcorp Genetics (formerly Invitae), Labcorp
Classification: Uncertain significance for Tyrosinemia type III; Hawkinsinuria. Last evaluated: 2021-08-04. Review status: criteria provided, single submitter. Criteria: Invitae Variant Classification Sherloc (09022015). Collection method: clinical testing. Allele origin: germline.
Comment: This variant is a gross deletion of the genomic region encompassing exon(s) 13-14 of the HPD gene. The 5' boundary is likely confined to intron 12. The 3' end of this event is unknown as it extends through the termination codon beyond the assayed region for this gene and may encompass additional genes. While this deletion is not anticipated to lead to nonsense mediated decay, it is expected to alter mRNA translation or result in a truncated protein product. This variant has not been reported in the literature in individuals affected with HPD-related conditions. Experimental studies and prediction algorithms are not available or were not evaluated, and the functional significance of this variant is currently unknown. In summary, the available evidence is currently insufficient to determine the role of this variant in disease. Therefore, it has been classified as a Variant of Uncertain Significance.

NC_000012.12:g.(?_121839708)_(121840068_?)del

Genes: HPD (4-hydroxyphenylpyruvate dioxygenase; minus strand), TIALD (transcript inducer of AURKA lysosomal degradation; plus strand). Cytogenetic location: 12q24.31.
Variant type: Deletion.
Identifiers: ClinVar variation 529471 (VCV000529471.7).